The following is an entry in ClinVar:

NM_004208.4(AIFM1):c.720C>T (p.Asp240=)

Genes: AIFM1 (apoptosis inducing factor mitochondria associated 1; minus strand), RAB33A (RAB33A, member RAS oncogene family; plus strand). Cytogenetic location: Xq26.1.
Variant type: single nucleotide variant.
Coding change: c.720C>T on transcript NM_004208.4 (MANE Select); coding-DNA position 720, C replaced by T.
Protein change: p.Asp240=; no amino-acid change (aspartic acid 240 retained).
Molecular consequence: synonymous variant. On other transcripts: non-coding transcript variant (1).
Genome position (GRCh38, 1-based): chrX:130,140,594, G>A on the plus strand (C>T on the coding strand, the complement: AIFM1 is on the minus strand). VCF-style: chrX-130140594-G-A. GRCh37 (hg19) VCF-style: chrX-129274569-G-A.
Other names: D240D; c.720C>T, p.Asp240= (NM_001130847.4); c.708C>T, p.Asp236= (NM_145812.3).
Identifiers: ClinVar variation 598756 (VCV000598756.8), dbSNP rs1569418673, ClinGen allele CA518469996.
Genomic context (GRCh38, chrX:130,140,594, plus strand): 5'-TGTTGCAATCAAGCACTTTTCATAGGTTATTTGAGAGCCATCATTAAGTTTCACCATGTT[G>A]TCTCTCACATCCAGCTGTACTACCTGGTACAGTCACACACATACACAAAAGAGGTAGAGA-3'
Protein context (NP_004199.1, residues 230-250): GKKVVQLDVR[Asp240=]NMVKLNDGSQ

ClinVar aggregate classification (germline): Conflicting classifications of pathogenicity. Review status: criteria provided, conflicting classifications (1 of 4 stars). 5 submissions from 5 submitters: Pathogenic (1); Likely pathogenic (1); Uncertain significance (1); Likely benign (1). 1 of the submissions does not count toward it. Last evaluated 2025-10-02.

Conditions:
AIFM1-related hypomyelination with spondylometaphyseal dysplasia.
Spondyloepimetaphyseal dysplasia, Bieganski type. Also called: SEMD X-linked with mental deterioration; Leukoencephalopathy with metaphyseal chondrodysplasia; Spondyloepimetaphyseal dysplasia, X-linked, with hypomyelinating leukodystrophy. Identifiers: Orphanet 168448, Orphanet 83629, MedGen C1846148, MONDO:0010275, OMIM 300232.
Inborn genetic diseases. Identifiers: MedGen C0950123, MeSH D030342.

Submissions (5):

Institute of Human Genetics, University of Leipzig Medical Center
Classification: Likely pathogenic for Spondyloepimetaphyseal dysplasia, Bieganski type. Last evaluated: 2025-10-02. Review status: criteria provided, single submitter. Criteria: ACMG Guidelines, 2015. Collection method: clinical testing. Allele origin: maternal. Inheritance: X-linked recessive inheritance. Affected: yes.
Comment: Criteria applied: PS4_MOD,PM2,PS2_SUP,PP3

Baylor Genetics
Classification: Pathogenic for Spondyloepimetaphyseal dysplasia, Bieganski type. Last evaluated: 2020-06-01. Review status: criteria provided, single submitter. Criteria: ACMG Guidelines, 2015. Collection method: clinical testing. Allele origin: unknown. Affected: yes.
Comment: This variant was determined to be pathogenic according to ACMG Guidelines, 2015 [PMID:25741868].

Ambry Genetics
Classification: Likely benign for Inborn genetic diseases. Last evaluated: 2019-07-11. Review status: criteria provided, single submitter. Criteria: Ambry Variant Classification Scheme 2023. Collection method: clinical testing. Allele origin: germline.

Undiagnosed Diseases Network, NIH
Classification: Uncertain significance for AIFM1-related hypomyelination with spondylometaphyseal dysplasia. Last evaluated: 2018-09-06. Review status: criteria provided, single submitter. Criteria: ACMG Guidelines, 2015. Collection method: clinical testing. Allele origin: de novo. Inheritance: X-linked inheritance. Affected: yes. Observed: 1 variant allele, 1 hemizygote.

OMIM
Classification: Pathogenic for SPONDYLOEPIMETAPHYSEAL DYSPLASIA, X-LINKED, WITH HYPOMYELINATING LEUKODYSTROPHY. Last evaluated: 2019-11-27. Review status: no assertion criteria provided. Collection method: literature only. Allele origin: germline. Not counted in ClinVar's aggregate classification.

Literature cited by the submitters: PubMed 28842795 (cited by OMIM).